The following is an entry in ClinVar:

ClinVar aggregate classification (germline): Benign/Likely benign. Review status: criteria provided, multiple submitters, no conflicts (2 of 4 stars). 2 submissions from 2 submitters: Benign (1); Likely benign (1). Last evaluated 2024-06-12.

Conditions:
Hereditary cancer-predisposing syndrome. Also called: Neoplastic Syndromes, Hereditary; Hereditary Cancer Syndrome; Tumor predisposition; Hereditary neoplastic syndrome. Identifiers: Orphanet 140162, MedGen C0027672, MeSH D009386, MONDO:0015356.
Familial cancer of breast. Also called: Hereditary breast cancer; BREAST CANCER, FAMILIAL; hereditary breast carcinoma. Identifiers: Orphanet 227535, MedGen C0346153, MONDO:0016419, OMIM 114480. Disease mechanism: loss of function.

Submissions (2):

Myriad Genetics, Inc.
Classification: Benign for Familial cancer of breast. Last evaluated: 2024-06-12. Review status: criteria provided, single submitter. Criteria: Myriad Autosomal Dominant, Autosomal Recessive and X-Linked Classification Criteria (2023). Collection method: clinical testing. Allele origin: unknown.
Comment: This variant is considered benign. This variant is a silent/synonymous amino acid change and it is not expected to impact splicing.

Ambry Genetics
Classification: Likely benign for Hereditary cancer-predisposing syndrome. Last evaluated: 2016-05-26. Review status: criteria provided, single submitter. Criteria: Ambry Variant Classification Scheme 2023. Collection method: clinical testing. Allele origin: germline.

NM_000051.4(ATM):c.7074G>A (p.Gln2358=)

Genes: C11orf65 (chromosome 11 open reading frame 65; minus strand), ATM (ATM serine/threonine kinase; plus strand). Cytogenetic location: 11q22.3.
Variant type: single nucleotide variant.
Coding change: c.7074G>A on transcript NM_000051.4 (MANE Select); coding-DNA position 7074, G replaced by A.
Protein change: p.Gln2358=; no amino-acid change (glutamine 2358 retained).
Molecular consequence: synonymous variant. On other transcripts: intron variant (2).
Genome position (GRCh38, 1-based): chr11:108,327,743, G>A. VCF-style: chr11-108327743-G-A. GRCh37 (hg19) VCF-style: chr11-108198470-G-A.
Other names: c.7074G>A, p.Gln2358= (NM_001351834.2); c.641-18672C>T (NM_001330368.2); c.*38+7477C>T (NM_001351110.2).
Identifiers: ClinVar variation 482602 (VCV000482602.8), dbSNP rs1060501593, ClinGen allele CA476676512.
Genomic context (GRCh38, chr11:108,327,743, plus strand): 5'-GAGGGTTTGTGGCAACTGGTTAGCAGAAACGTGCTTAGAAAATCCTGCGGTCATCATGCA[G>A]ACCTATCTAGAAAAGGTAAGATTTTTGGAGCAACCCTTAAGATAGTTACTTAGCATGAAT-3'
Protein context (NP_000042.3, residues 2348-2368): TCLENPAVIM[Gln2358=]TYLEKAVEVA